The following is an entry in ClinVar:

NM_000138.5(FBN1):c.3513C>A (p.Cys1171Ter)

Gene: FBN1 (fibrillin 1; minus strand). Cytogenetic location: 15q21.1.
Variant type: single nucleotide variant.
Coding change: c.3513C>A on transcript NM_000138.5 (MANE Select); coding-DNA position 3513, C replaced by A.
Protein change: p.Cys1171Ter; replaces cysteine 1171 with a stop codon.
Molecular consequence: nonsense.
Genome position (GRCh38, 1-based): chr15:48,487,151, G>T on the plus strand (C>A on the coding strand, the complement: FBN1 is on the minus strand). VCF-style: chr15-48487151-G-T. GRCh37 (hg19) VCF-style: chr15-48779348-G-T.
Other names: p.C1171X:TGC>TGA; short protein forms C1171*.
Identifiers: ClinVar variation 200019 (VCV000200019.2), dbSNP rs775417975, ClinGen allele CA014231.
Genomic context (GRCh38, chr15:48,487,151, plus strand): 5'-ATCGGGAGTTGAATGGTAGCCAGGGTTGCAGGCACACTGATACTTCCCTATGAGGTTCAC[G>T]CAACGGCCATTGGGGCACAGGTGTGCACTCAGCTCACATTCATTGATGTCTGTCGGGAAA-3'

ClinVar aggregate classification (germline): Pathogenic (1 of 4 stars; one submission).

Submission:

GeneDx
Classification: Pathogenic. Last evaluated: 2015-10-27. Review status: criteria provided, single submitter. Criteria: GeneDx Variant Classification (06012015). Collection method: clinical testing. Allele origin: germline. Affected: yes.
Comment: p.Cys1171Stop (TGC>TGA): c.3513 C>A in exon 29 of the FBN1 gene (NM_000138.4)The C1171X mutation in the FBN1 gene has been reported previously in one individual with Marfan syndrome (Magyar I et al., 2009). This individual had ocular and cardiovascular system involvement, but no skeletal abnormalities. Additionally, C1171X was not observed in approximately 6,500 individuals of European and African American ancestry in the NHLBI Exome Sequencing Project, indicating it is not a common benign variant in these populations. C1171X is predicted to cause loss of normal protein function either by protein truncation or nonsense-mediated mRNA decay. Other nonsense mutations in the FBN1 gene have been reported in association with Marfan syndrome.In summary, C1171X in the FBN1 gene is interpreted as a disease-causing mutation.The variant is found in TAAD panel(s).